The following is an entry in ClinVar:

ClinVar aggregate classification (germline): Conflicting classifications of pathogenicity. Review status: criteria provided, conflicting classifications (1 of 4 stars). 3 submissions from 3 submitters: Uncertain significance (1); Benign (2). Last evaluated 2025-09-15.

Allele frequency attached by ClinVar (database versions not stated): gnomAD 0.00004 and 0.00060; ESP Exome Variant Server 0.00008; TOPMed 0.00014; gnomAD exomes 0.00207; ExAC 0.00243; 1000 Genomes Project 30x 0.00265; 1000 Genomes Project 0.00319.
gnomAD v4.1: 1,675 of 1,614,102 alleles (0.1%); highest among the groups gnomAD compares: South Asian, 1.7%; 30 homozygotes.

Submissions (3):

Labcorp Genetics (formerly Invitae), Labcorp
Classification: Benign. Last evaluated: 2025-09-15. Review status: criteria provided, single submitter. Criteria: Invitae Variant Classification Sherloc (09022015). Collection method: clinical testing. Allele origin: germline.

GeneDx
Classification: Benign. Last evaluated: 2020-09-28. Review status: criteria provided, single submitter. Criteria: GeneDx Variant Classification Process June 2021. Collection method: clinical testing. Allele origin: germline. Affected: yes.

Laboratory for Molecular Medicine, Mass General Brigham Personalized Medicine
Classification: Uncertain significance. Last evaluated: 2013-12-15. Review status: criteria provided, single submitter. Criteria: LMM Criteria. Collection method: clinical testing. Allele origin: germline. Observed: 1 variant allele.
Comment: Variant classified as Uncertain Significance - Favor Benign. The Ile115Val varia nt in CRYM has not been previously reported in individuals with hearing loss, bu t has been identified in 0.01% (1/8600) of European American chromosomes by the NHLBI Exome Sequencing Project (dbSNP rs201490017) . Computational analyses (biochemical amino acid properties, conservation, Alig nGVGD, PolyPhen2, and SIFT) suggest this variant may not impact the protein, tho ugh this information is not predictive enough to rule out pathogenicity. In summ ary, the clinical significance of this variant cannot be determined with certain ty; however, based upon the computational data we lean towards a more likely ben ign role.

NM_001376256.1(CRYM):c.343A>G (p.Ile115Val)

Gene: CRYM (crystallin mu; minus strand). Cytogenetic location: 16p12.2.
Variant type: single nucleotide variant.
Coding change: c.343A>G on transcript NM_001376256.1 (MANE Select); coding-DNA position 343, A replaced by G.
Protein change: p.Ile115Val; replaces isoleucine 115 with valine.
Molecular consequence: missense variant.
Genome position (GRCh38, 1-based): chr16:21,275,576, T>C on the plus strand (A>G on the coding strand, the complement: CRYM is on the minus strand). VCF-style: chr16-21275576-T-C. GRCh37 (hg19) VCF-style: chr16-21286897-T-C.
Other names: c.343A>G, p.Ile115Val (NM_001888.5); short protein forms I115V.
Identifiers: ClinVar variation 179476 (VCV000179476.14), dbSNP rs201490017, ClinGen allele CA184498.